The following is an entry in ClinVar:

ClinVar aggregate classification (germline): Pathogenic (1 of 4 stars; one submission).

Conditions:
Hypophosphatemic rickets. Identifiers: MedGen C1704375, MeSH D063730, MONDO:0024300, HP:0004912.

Submission:

Laboratory of Cyto-molecular Genetics, Department of Anatomy, All India Institute of Medical Sciences (AIIMS), New Delhi
Classification: Pathogenic for Hypophosphatemic rickets. Last evaluated: 2022-02-07. Review status: criteria provided, single submitter. Criteria: ACMG Guidelines, 2015. Collection method: clinical testing. Allele origin: de novo. Affected: yes. Observed: 1 variant allele.
Comment: p.(Gly641Leufs*18); frameshift and premature termination codon (PTC) formation

Literature cited by the submitters: PubMed 35738466.

NM_000444.6(PHEX):c.1920_1929del (p.Gly641fs)

Genes: PTCHD1-AS (PTCHD1 and PHEX antisense RNA; minus strand), PHEX (phosphate regulating endopeptidase X-linked; plus strand). Cytogenetic location: Xp22.11.
Variant type: Deletion.
Coding change: c.1920_1929del on transcript NM_000444.6 (MANE Select); coding-DNA positions 1920 to 1929, 10 bases deleted (GGGAGAAAAT; older notation c.1920_1929delGGGAGAAAAT).
Protein change: p.Gly641fs; shifts the reading frame from glycine 641.
Molecular consequence: frameshift variant.
Genome position (GRCh38, 1-based): chrX:22,226,463-22,226,472, GGGAGAAAAT deleted; deleting any 10 consecutive bases within chrX:22,226,462-22,226,472 gives the same sequence; the c. name uses the placement nearest the transcript's 3' end. VCF-style (leftmost placement, unchanged base first): chrX-22226461-CTGGGAGAAAA-C. GRCh37 (hg19) VCF-style: chrX-22244578-CTGGGAGAAAA-C.
Other names: c.1920_1929del, p.Gly641fs (NM_001282754.2); short protein forms G641fs.
Identifiers: ClinVar variation 1339441 (VCV001339441.3), dbSNP rs2147183119, ClinGen allele CA2573055218.
Genomic context (GRCh38, chrX:22,226,461, plus strand): 5'-ACACGCATTCATTTTTTTTTTTTCCTTTTTTCTTTCTGTTAGGTCAAGGGGAAGAGGACC[CTGGGAGAAAA>C]TATTGCTGATAATGGAGGCCTGCGGGAAGCTTTTAGGGTATGCGCTGCTACATTTACCGT-3'